The following is an entry in ClinVar:

ClinVar aggregate classification (germline): Uncertain significance (1 of 4 stars; one submission).

Submission:

GeneDx
Classification: Uncertain significance. Last evaluated: 2025-06-26. Review status: criteria provided, single submitter. Criteria: GeneDx Variant Classification Process June 2021. Collection method: clinical testing. Allele origin: germline. Affected: yes.
Comment: Not observed at significant frequency in large population cohorts (gnomAD); In silico analysis supports that this missense variant has a deleterious effect on protein structure/function; Has not been previously published as pathogenic or benign to our knowledge

NM_001020658.2(PUM1):c.2525C>T (p.Pro842Leu)

Gene: PUM1 (pumilio RNA binding family member 1; minus strand). Cytogenetic location: 1p35.2.
Variant type: single nucleotide variant.
Coding change: c.2525C>T on transcript NM_001020658.2 (MANE Select); coding-DNA position 2525, C replaced by T.
Protein change: p.Pro842Leu; replaces proline 842 with leucine.
Molecular consequence: missense variant.
Genome position (GRCh38, 1-based): chr1:30,953,780, G>A on the plus strand (C>T on the coding strand, the complement: PUM1 is on the minus strand). VCF-style: chr1-30953780-G-A. GRCh37 (hg19) VCF-style: chr1-31426627-G-A.
Other names: c.2525C>T, p.Pro842Leu (NM_014676.3); short protein forms P842L.
Identifiers: ClinVar variation 4539977 (VCV004539977.1).
Genomic context (GRCh38, chr1:30,953,780, plus strand): 5'-CCATGCTGGTCTTGGGAAAATTCCATTATATGTCCAGCAATCTCCCGCAGTTGTAAATTG[G>A]GGTACCGGTTGTTTCGAAAATCTTCCAAAAGCCTGCTCCTGCCAGAAGGCATGACATCAG-3'
Protein context (NP_001018494.1, residues 832-852): LLEDFRNNRY[Pro842Leu]NLQLREIAGH